The following is an entry in ClinVar:

NM_000256.3(MYBPC3):c.2612G>A (p.Ser871Asn)

Gene: MYBPC3 (myosin binding protein C3; minus strand). Cytogenetic location: 11p11.2.
Variant type: single nucleotide variant.
Coding change: c.2612G>A on transcript NM_000256.3 (MANE Select); coding-DNA position 2612, G replaced by A.
Protein change: p.Ser871Asn; replaces serine 871 with asparagine.
Molecular consequence: missense variant.
Genome position (GRCh38, 1-based): chr11:47,336,002, C>T on the plus strand (G>A on the coding strand, the complement: MYBPC3 is on the minus strand). VCF-style: chr11-47336002-C-T. GRCh37 (hg19) VCF-style: chr11-47357553-C-T.
Other names: short protein forms S871N.
Identifiers: ClinVar variation 3367703 (VCV003367703.1).

ClinVar aggregate classification (germline): Uncertain significance (1 of 4 stars; one submission).

Submission:

GeneDx
Classification: Uncertain significance. Last evaluated: 2024-01-09. Review status: criteria provided, single submitter. Criteria: GeneDx Variant Classification Process June 2021. Collection method: clinical testing. Allele origin: germline. Affected: yes.
Comment: Not observed at significant frequency in large population cohorts (gnomAD); In silico analysis supports that this missense variant has a deleterious effect on protein structure/function; Has not been previously published as pathogenic or benign to our knowledge